The following is an entry in ClinVar:

NM_032447.5(FBN3):c.818G>A (p.Arg273His)

Gene: FBN3 (fibrillin 3; minus strand). Cytogenetic location: 19p13.2.
Variant type: single nucleotide variant.
Coding change: c.818G>A on transcript NM_032447.5 (MANE Select); coding-DNA position 818, G replaced by A.
Protein change: p.Arg273His; replaces arginine 273 with histidine.
Molecular consequence: missense variant.
Genome position (GRCh38, 1-based): chr19:8,141,764, C>T on the plus strand (G>A on the coding strand, the complement: FBN3 is on the minus strand). VCF-style: chr19-8141764-C-T. GRCh37 (hg19) VCF-style: chr19-8206648-C-T.
Other names: c.818G>A, p.Arg273His (NM_001321431.2); short protein forms R273H.
Identifiers: ClinVar variation 3093409 (VCV003093409.3), dbSNP rs775495075, ClinGen allele CA9153584.

ClinVar aggregate classification (germline): Conflicting classifications of pathogenicity. Review status: criteria provided, conflicting classifications (1 of 4 stars). 2 submissions from 2 submitters: Uncertain significance (1); Likely benign (1). Last evaluated 2024-12-04.

gnomAD v4.1: 9 of 1,614,006 alleles (0.00056%); highest among the groups gnomAD compares: Admixed American, 0.005%; no homozygotes.

Submissions (2):

Labcorp Genetics (formerly Invitae), Labcorp
Classification: Uncertain significance. Last evaluated: 2024-12-04. Review status: criteria provided, single submitter. Criteria: Invitae Variant Classification Sherloc (09022015). Collection method: clinical testing. Allele origin: germline.
Comment: This sequence change replaces arginine, which is basic and polar, with histidine, which is basic and polar, at codon 273 of the FBN3 protein (p.Arg273His). This variant is present in population databases (rs775495075, gnomAD 0.006%). This variant has not been reported in the literature in individuals affected with FBN3-related conditions. ClinVar contains an entry for this variant (Variation ID: 3093409). An algorithm developed to predict the effect of missense changes on protein structure and function outputs the following: PolyPhen-2: "Benign". The histidine amino acid residue is found in multiple mammalian species, which suggests that this missense change does not adversely affect protein function. In summary, the available evidence is currently insufficient to determine the role of this variant in disease. Therefore, it has been classified as a Variant of Uncertain Significance.

Ambry Genetics
Classification: Likely benign. Last evaluated: 2023-11-13. Review status: criteria provided, single submitter. Criteria: Ambry Variant Classification Scheme 2023. Collection method: clinical testing. Allele origin: germline.